The following is an entry in ClinVar:

NM_007294.4(BRCA1):c.3973del (p.Arg1325fs)

Genes: BRCA1 (BRCA1 DNA repair associated; minus strand), LOC126862571 (BRD4-independent group 4 enhancer GRCh37_chr17:41243136-41244335; plus strand). Cytogenetic location: 17q21.31.
Variant type: Deletion.
Coding change: c.3973del on transcript NM_007294.4 (MANE Select); coding-DNA position 3973, one base deleted (A; older notation c.3973delA).
Protein change: p.Arg1325fs; shifts the reading frame from arginine 1325.
Molecular consequence: frameshift variant. On other transcripts: intron variant (135).
Genome position (GRCh38, 1-based): chr17:43,091,558, T deleted on the plus strand (A on the coding strand, the reverse complement: BRCA1 is on the minus strand). VCF-style (leftmost placement, unchanged base first): chr17-43091557-CT-C. GRCh37 (hg19) VCF-style: chr17-41243574-CT-C.
Other names: 4092delA; c.3709del, p.Arg1237fs (NM_001407923.1, NM_001407924.1, NM_001407925.1 and 9 more transcripts); c.3706del, p.Arg1236fs (NM_001407930.1, NM_001407931.1, NM_001407932.1 and 2 more transcripts); c.3850del, p.Arg1284fs (NM_001407937.1, NM_001407938.1, NM_001407939.1 and 19 more transcripts); c.3847del, p.Arg1283fs (NM_001407940.1, NM_001407941.1, NM_001407649.1 and 11 more transcripts); c.3832del, p.Arg1278fs (NM_001407942.1, NM_001407944.1, NM_001407945.1 and 29 more transcripts); c.3829del, p.Arg1277fs (NM_001407943.1, NM_001407964.1, NM_001407740.1 and 20 more transcripts); c.3640del, p.Arg1214fs (NM_001407946.1, NM_001407947.1, NM_001407948.1 and 6 more transcripts); and 42 more; short protein forms R1325fs, R1278fs, R1237fs, R1255fs, R1258fs, R1299fs, R1322fs, R1157fs.
Identifiers: ClinVar variation 55066 (VCV000055066.9), dbSNP rs80357904, ClinGen allele CA002549.

ClinVar aggregate classification (germline): Pathogenic. Review status: reviewed by expert panel (3 of 4 stars). 5 submissions from 5 submitters: Pathogenic (1). 4 of the submissions do not count toward it. Last evaluated 2016-04-22.

Conditions:
Hereditary cancer-predisposing syndrome. Also called: Hereditary Cancer Syndrome; Hereditary neoplastic syndrome; Neoplastic Syndromes, Hereditary; Tumor predisposition. Identifiers: Orphanet 140162, MedGen C0027672, MeSH D009386, MONDO:0015356.
Breast-ovarian cancer, familial, susceptibility to, 1 (BROVCA1). Also called: BRCA1 Hereditary Breast and Ovarian Cancer; OVARIAN CANCER, SUSCEPTIBILITY TO. Identifiers: Orphanet 145, MedGen C2676676, MONDO:0011450, OMIM 604370. Disease mechanism: loss of function.

Submissions (5):

Evidence-based Network for the Interpretation of Germline Mutant Alleles (ENIGMA)
Classification: Pathogenic for Breast-ovarian cancer, familial, susceptibility to, 1. Last evaluated: 2016-04-22. Review status: reviewed by expert panel. Criteria: ENIGMA BRCA1/2 Classification Criteria (2015). Collection method: curation. Allele origin: germline.
Comment: Variant allele predicted to encode a truncated non-functional protein.

Institute of Medical Genetics and Applied Genomics, University Hospital Tübingen
Classification: Pathogenic. Last evaluated: 2020-10-23. Review status: criteria provided, single submitter. Criteria: ACMG Guidelines, 2015. Collection method: clinical testing. Allele origin: germline. Inheritance: Unknown mechanism. Affected: yes. Not counted in ClinVar's aggregate classification.

Ambry Genetics
Classification: Pathogenic for Hereditary cancer-predisposing syndrome. Last evaluated: 2019-11-19. Review status: criteria provided, single submitter. Criteria: Ambry Variant Classification Scheme 2023. Collection method: clinical testing. Allele origin: germline. Not counted in ClinVar's aggregate classification.
Comment: The c.3973delA variant, located in coding exon 9 of the BRCA1 gene, results from a deletion of one nucleotide at nucleotide position 3973, causing a translational frameshift with a predicted alternate stop codon (p.R1352Gfs*11). This alteration is expected to result in loss of function by premature protein truncation or nonsense-mediated mRNA decay. As such, this alteration is interpreted as a disease-causing mutation.

Consortium of Investigators of Modifiers of BRCA1/2 (CIMBA), c/o University of Cambridge
Classification: Pathogenic for Breast-ovarian cancer, familial, susceptibility to, 1. Last evaluated: 2015-10-02. Review status: criteria provided, single submitter. Criteria: CIMBA Mutation Classification guidelines May 2016. Collection method: clinical testing. Allele origin: germline. Not counted in ClinVar's aggregate classification.

Breast Cancer Information Core (BIC) (BRCA1)
Classification: Pathogenic for Breast-ovarian cancer, familial 1. Last evaluated: 2003-11-25. Review status: no assertion criteria provided. Collection method: clinical testing. Allele origin: germline. Affected: yes. Observed: 1 variant allele. Not counted in ClinVar's aggregate classification.

Literature cited by the submitters: PubMed 21702907 (cited by Ambry Genetics).